The following is an entry in ClinVar:

ClinVar aggregate classification (germline): Uncertain significance (1 of 4 stars; one submission).

Conditions:
Epidermolysis bullosa simplex 5B, with muscular dystrophy (EBS5B). Also called: EPIDERMOLYSIS BULLOSA SIMPLEX AND LIMB-GIRDLE MUSCULAR DYSTROPHY; Epidermolysis bullosa simplex with muscular dystrophy. Identifiers: Orphanet 257, MedGen C2931072, MONDO:0009181, OMIM 226670.
Epidermolysis bullosa simplex, Ogna type (EBS5A). Also called: Pidermolysis bullosa simplex 5A, Ogna type; EPIDERMOLYSIS BULLOSA SIMPLEX 5A, OGNA TYPE. Identifiers: Orphanet 79401, MedGen C0432317, MONDO:0007555, OMIM 131950.
Epidermolysis bullosa simplex 5C, with pyloric atresia (EBS5C). Also called: Epidermolysis bullosa simplex with pyloric atresia; PLEC-Related Epidermolysis Bullosa with Pyloric Atresia; PLEC1-Related Epidermolysis Bullosa with Pyloric Atresia. Identifiers: Orphanet 158684, MedGen C2677349, MONDO:0012807, OMIM 612138.
Epidermolysis bullosa simplex with nail dystrophy (EBS5D). Identifiers: MedGen C4225309, MONDO:0014661, OMIM 616487.
Autosomal recessive limb-girdle muscular dystrophy type 2Q (LGMDR17). Also called: MUSCULAR DYSTROPHY, LIMB-GIRDLE, AUTOSOMAL RECESSIVE 17. Identifiers: Orphanet 254361, MedGen C3150989, MONDO:0013390, OMIM 613723.

Submission:

Labcorp Genetics (formerly Invitae), Labcorp
Classification: Uncertain significance for Autosomal recessive limb-girdle muscular dystrophy type 2Q; Epidermolysis bullosa simplex, Ogna type; Epidermolysis bullosa simplex with nail dystrophy; Epidermolysis bullosa simplex 5C, with pyloric atresia; Epidermolysis bullosa simplex 5B, with muscular dystrophy. Last evaluated: 2022-07-19. Review status: criteria provided, single submitter. Criteria: Invitae Variant Classification Sherloc (09022015). Collection method: clinical testing. Allele origin: germline.
Comment: Algorithms developed to predict the effect of missense changes on protein structure and function (SIFT, PolyPhen-2, Align-GVGD) all suggest that this variant is likely to be disruptive. In summary, the available evidence is currently insufficient to determine the role of this variant in disease. Therefore, it has been classified as a Variant of Uncertain Significance. ClinVar contains an entry for this variant (Variation ID: 938278). This sequence change replaces leucine, which is neutral and non-polar, with proline, which is neutral and non-polar, at codon 2218 of the PLEC protein (p.Leu2218Pro). This variant is not present in population databases (gnomAD no frequency). This variant has not been reported in the literature in individuals affected with PLEC-related conditions.

NM_201384.3(PLEC):c.6572T>C (p.Leu2191Pro)

Gene: PLEC (plectin; minus strand). Cytogenetic location: 8q24.3.
Variant type: single nucleotide variant.
Coding change: c.6572T>C on transcript NM_201384.3 (MANE Select); coding-DNA position 6572, T replaced by C.
Protein change: p.Leu2191Pro; replaces leucine 2191 with proline.
Molecular consequence: missense variant.
Genome position (GRCh38, 1-based): chr8:143,923,357, A>G on the plus strand (T>C on the coding strand, the complement: PLEC is on the minus strand). VCF-style: chr8-143923357-A-G. GRCh37 (hg19) VCF-style: chr8-144997525-A-G.
Other names: c.6653T>C, p.Leu2218Pro (NM_000445.5); c.6530T>C, p.Leu2177Pro (NM_201378.4); c.6506T>C, p.Leu2169Pro (NM_201379.3); c.6983T>C, p.Leu2328Pro (NM_201380.4); c.6476T>C, p.Leu2159Pro (NM_201381.3); c.6572T>C, p.Leu2191Pro (NM_201382.4); c.6584T>C, p.Leu2195Pro (NM_201383.3); short protein forms L2159P, L2177P, L2191P, L2195P, L2328P, L2218P, L2169P.
Identifiers: ClinVar variation 938278 (VCV000938278.7), dbSNP rs1554692018, ClinGen allele CA372533362.